The following is an entry in ClinVar:

ClinVar aggregate classification (germline): Uncertain significance (1 of 4 stars; one submission).

Allele frequency attached by ClinVar (database versions not stated): gnomAD exomes below 0.00001; TOPMed below 0.00001.
gnomAD v4.1: 1 of 1,614,132 alleles (0.000062%); highest among the groups gnomAD compares: Admixed American, 0.0017%; no homozygotes.

Submission:

Labcorp Genetics (formerly Invitae), Labcorp
Classification: Uncertain significance. Last evaluated: 2022-03-18. Review status: criteria provided, single submitter. Criteria: Invitae Variant Classification Sherloc (09022015). Collection method: clinical testing. Allele origin: germline.
Comment: This sequence change replaces aspartic acid, which is acidic and polar, with valine, which is neutral and non-polar, at codon 45 of the MYLK3 protein (p.Asp45Val). This variant is not present in population databases (gnomAD no frequency). This variant has not been reported in the literature in individuals affected with MYLK3-related conditions. Algorithms developed to predict the effect of missense changes on protein structure and function are either unavailable or do not agree on the potential impact of this missense change (SIFT: "Tolerated"; PolyPhen-2: "Probably Damaging"; Align-GVGD: "Class C0"). In summary, the available evidence is currently insufficient to determine the role of this variant in disease. Therefore, it has been classified as a Variant of Uncertain Significance.

NM_182493.3(MYLK3):c.134A>T (p.Asp45Val)

Gene: MYLK3 (myosin light chain kinase 3; minus strand). Cytogenetic location: 16q11.2.
Variant type: single nucleotide variant.
Coding change: c.134A>T on transcript NM_182493.3 (MANE Select); coding-DNA position 134, A replaced by T.
Protein change: p.Asp45Val; replaces aspartic acid 45 with valine.
Molecular consequence: missense variant. On other transcripts: intron variant (1).
Genome position (GRCh38, 1-based): chr16:46,748,060, T>A on the plus strand (A>T on the coding strand, the complement: MYLK3 is on the minus strand). VCF-style: chr16-46748060-T-A. GRCh37 (hg19) VCF-style: chr16-46781972-T-A.
Other names: c.-113-7913A>T (NM_001308301.1); short protein forms D45V.
Identifiers: ClinVar variation 2415457 (VCV002415457.6), dbSNP rs1967061457, ClinGen allele CA395798924.